The following is an entry in ClinVar:

NM_001374736.1(DST):c.2147G>A (p.Ser716Asn)

Gene: DST (dystonin; minus strand). Cytogenetic location: 6p12.1.
Variant type: single nucleotide variant.
Coding change: c.2147G>A on transcript NM_001374736.1 (MANE Select); coding-DNA position 2147, G replaced by A.
Protein change: p.Ser716Asn; replaces serine 716 with asparagine.
Molecular consequence: missense variant.
Genome position (GRCh38, 1-based): chr6:56,640,486, C>T on the plus strand (G>A on the coding strand, the complement: DST is on the minus strand). VCF-style: chr6-56640486-C-T. GRCh37 (hg19) VCF-style: chr6-56505284-C-T.
Other names: c.2048G>A, p.Ser683Asn (NM_001144769.5); c.1634G>A, p.Ser545Asn (NM_001144770.2); c.2147G>A, p.Ser716Asn (NM_001374722.1); c.1514G>A, p.Ser505Asn (NM_001374729.1, NM_001374730.1, NM_001386100.1 and 1 more transcripts); c.2174G>A, p.Ser725Asn (NM_001374734.1); c.536G>A, p.Ser179Asn (NM_001723.7, NM_015548.5); short protein forms S716N, S179N, S505N, S683N, S725N, S545N.
Identifiers: ClinVar variation 851185 (VCV000851185.10), dbSNP rs1563390889, ClinGen allele CA364578947.

ClinVar aggregate classification (germline): Uncertain significance (1 of 4 stars; one submission).

Conditions:
Hereditary sensory and autonomic neuropathy type 6. Also called: HSAN VI; Neuropathy, hereditary sensory and autonomic, type VI. Identifiers: Orphanet 314381, MedGen C3539003, MONDO:0013839, OMIM 614653.
Epidermolysis bullosa simplex 3, localized or generalized intermediate, with BP230 deficiency (EBS3). Also called: Epidermolysis bullosa simplex, autosomal recessive 2; Epidermolysis bullosa simplex due to BP230 deficiency. Identifiers: Orphanet 412181, MedGen C3809470, MONDO:0014180, OMIM 615425.

Submission:

Labcorp Genetics (formerly Invitae), Labcorp
Classification: Uncertain significance for Epidermolysis bullosa simplex 3, localized or generalized intermediate, with BP230 deficiency; Hereditary sensory and autonomic neuropathy type 6. Last evaluated: 2019-02-26. Review status: criteria provided, single submitter. Criteria: Invitae Variant Classification Sherloc (09022015). Collection method: clinical testing. Allele origin: germline.
Comment: Algorithms developed to predict the effect of missense changes on protein structure and function (SIFT, PolyPhen-2, Align-GVGD) all suggest that this variant is likely to be disruptive, but these predictions have not been confirmed by published functional studies and their clinical significance is uncertain. In summary, the available evidence is currently insufficient to determine the role of this variant in disease. Therefore, it has been classified as a Variant of Uncertain Significance. This variant has not been reported in the literature in individuals with DST-related conditions. This variant is not present in population databases (ExAC no frequency). This sequence change replaces serine with asparagine at codon 179 of the DST protein (p.Ser179Asn). The serine residue is highly conserved and there is a small physicochemical difference between serine and asparagine.